The following is an entry in ClinVar:

ClinVar aggregate classification (germline): Pathogenic (1 of 4 stars; one submission).

Conditions:
Ataxia-telangiectasia syndrome (AT). Also called: Cerebello-oculocutaneous telangiectasia; Immunodeficiency with ataxia telangiectasia; ATAXIA-TELANGIECTASIA, FRESNO VARIANT; Ataxia-telangiectasia, complementation group D; Ataxia telangiectasia (A-T); LOUIS-BAR SYNDROME. Identifiers: Orphanet 100, MedGen C0004135, MONDO:0008840, OMIM 208900.

Submission:

Labcorp Genetics (formerly Invitae), Labcorp
Classification: Pathogenic for Ataxia-telangiectasia syndrome. Last evaluated: 2020-07-25. Review status: criteria provided, single submitter. Criteria: Invitae Variant Classification Sherloc (09022015). Collection method: clinical testing. Allele origin: germline.
Comment: For these reasons, this variant has been classified as Pathogenic. Loss-of-function variants in ATM are known to be pathogenic (PMID: 23807571, 25614872). This variant has not been reported in the literature in individuals with ATM-related conditions. This variant is not present in population databases (ExAC no frequency). This sequence change creates a premature translational stop signal (p.Gln418Hisfs*10) in the ATM gene. It is expected to result in an absent or disrupted protein product.

Literature cited by the submitters: PubMed 23807571; PubMed 25614872.

NM_000051.4(ATM):c.1254_1258del (p.Gln418fs)

Gene: ATM (ATM serine/threonine kinase; plus strand). Cytogenetic location: 11q22.3.
Variant type: Deletion.
Coding change: c.1254_1258del on transcript NM_000051.4 (MANE Select); coding-DNA positions 1254 to 1258, 5 bases deleted (ATTAA; older notation c.1254_1258delATTAA).
Protein change: p.Gln418fs; shifts the reading frame from glutamine 418.
Molecular consequence: frameshift variant.
Genome position (GRCh38, 1-based): chr11:108,250,719-108,250,723, ATTAA deleted; deleting any 5 consecutive bases within chr11:108,250,718-108,250,723 gives the same sequence; the c. name uses the placement nearest the transcript's 3' end. VCF-style (leftmost placement, unchanged base first): chr11-108250717-CAATTA-C. GRCh37 (hg19) VCF-style: chr11-108121444-CAATTA-C.
Other names: c.1254_1258del, p.Gln418fs (NM_001351834.2); short protein forms Q418fs.
Identifiers: ClinVar variation 1076400 (VCV001076400.7), dbSNP rs2135316258, ClinGen allele CA2499220563.